The following is an entry in ClinVar:

ClinVar aggregate classification (germline): Uncertain significance. Review status: criteria provided, multiple submitters, no conflicts (2 of 4 stars). 2 submissions from 2 submitters: Uncertain significance (2). Last evaluated 2025-11-03.

Conditions:
Inborn genetic diseases. Identifiers: MedGen C0950123, MeSH D030342.

gnomAD v4.1: 108 of 1,612,386 alleles (0.0067%); highest among the groups gnomAD compares: Non-Finnish European, 0.0088%; no homozygotes.

Submissions (2):

Ambry Genetics
Classification: Uncertain significance for Inborn genetic diseases. Last evaluated: 2025-11-03. Review status: criteria provided, single submitter. Criteria: Ambry Variant Classification Scheme 2023. Collection method: clinical testing. Allele origin: germline.

Labcorp Genetics (formerly Invitae), Labcorp
Classification: Uncertain significance. Last evaluated: 2024-08-21. Review status: criteria provided, single submitter. Criteria: Invitae Variant Classification Sherloc (09022015). Collection method: clinical testing. Allele origin: germline.
Comment: This sequence change replaces isoleucine, which is neutral and non-polar, with valine, which is neutral and non-polar, at codon 788 of the OTOGL protein (p.Ile788Val). This variant is present in population databases (rs768235762, gnomAD 0.007%). This variant has not been reported in the literature in individuals affected with OTOGL-related conditions. An algorithm developed to predict the effect of missense changes on protein structure and function outputs the following: PolyPhen-2: "Benign". The valine amino acid residue is found in multiple mammalian species, which suggests that this missense change does not adversely affect protein function. In summary, the available evidence is currently insufficient to determine the role of this variant in disease. Therefore, it has been classified as a Variant of Uncertain Significance.

NM_001378609.3(OTOGL):c.2389A>G (p.Ile797Val)

Gene: OTOGL (otogelin like; plus strand). Cytogenetic location: 12q21.31.
Variant type: single nucleotide variant.
Coding change: c.2389A>G on transcript NM_001378609.3 (MANE Select); coding-DNA position 2389, A replaced by G.
Protein change: p.Ile797Val; replaces isoleucine 797 with valine.
Molecular consequence: missense variant.
Genome position (GRCh38, 1-based): chr12:80,266,615, A>G. VCF-style: chr12-80266615-A-G. GRCh37 (hg19) VCF-style: chr12-80660395-A-G.
Other names: c.2362A>G (NM_173591.3); c.2389A>G, p.Ile797Val (NM_001368062.3, NM_001378610.3, NM_173591.7); short protein forms I797V.
Identifiers: ClinVar variation 3611233 (VCV003611233.3).